The following is an entry in ClinVar:

ClinVar aggregate classification (germline): Likely benign. Review status: criteria provided, multiple submitters, no conflicts (2 of 4 stars). 4 submissions from 4 submitters: Likely benign (4). Last evaluated 2025-09-20.

Conditions:
RASopathy. Also called: Noonan spectrum disorder; rasopathies. Identifiers: Orphanet 536391, MedGen C5555857, MONDO:0021060.
PTPN11-related disorder. Also called: PTPN11-Related Disorders.
Cardiovascular phenotype. Identifiers: MedGen CN230736.

Allele frequency attached by ClinVar (database versions not stated): gnomAD exomes below 0.00001; ExAC 0.00001; TOPMed 0.00001.
gnomAD v4.1: 3 of 1,614,112 alleles (0.00019%); highest among the groups gnomAD compares: South Asian, 0.0011%; no homozygotes.

Submissions (4):

Labcorp Genetics (formerly Invitae), Labcorp
Classification: Likely benign for RASopathy. Last evaluated: 2025-09-20. Review status: criteria provided, single submitter. Criteria: Invitae Variant Classification Sherloc (09022015). Collection method: clinical testing. Allele origin: germline.

PreventionGenetics, part of Exact Sciences
Classification: Likely benign for PTPN11-related condition. Last evaluated: 2025-02-13. Review status: criteria provided, single submitter. Criteria: ACMG Guidelines, 2015. Collection method: clinical testing. Allele origin: germline.
Comment: This variant is classified as likely benign based on ACMG/AMP sequence variant interpretation guidelines (Richards et al. 2015 PMID: 25741868, with internal and published modifications).

Ambry Genetics
Classification: Likely benign for Cardiovascular phenotype. Last evaluated: 2024-11-17. Review status: criteria provided, single submitter. Criteria: Ambry Variant Classification Scheme 2023. Collection method: clinical testing. Allele origin: germline.

Genetic Services Laboratory, University of Chicago
Classification: Likely benign. Last evaluated: 2018-04-24. Review status: criteria provided, single submitter. Criteria: ACMG Guidelines, 2015. Collection method: clinical testing. Allele origin: germline. Affected: no.

NM_002834.5(PTPN11):c.36T>C (p.Thr12=)

Gene: PTPN11 (protein tyrosine phosphatase non-receptor type 11; plus strand). Cytogenetic location: 12q24.13.
Variant type: single nucleotide variant.
Coding change: c.36T>C on transcript NM_002834.5 (MANE Select); coding-DNA position 36, T replaced by C.
Protein change: p.Thr12=; no amino-acid change (threonine 12 retained).
Molecular consequence: synonymous variant.
Genome position (GRCh38, 1-based): chr12:112,446,297, T>C. VCF-style: chr12-112446297-T-C. GRCh37 (hg19) VCF-style: chr12-112884101-T-C.
Other names: c.36T>C (NM_002834.4); c.36T>C, p.Thr12= (NM_001330437.2, NM_001374625.1, NM_080601.3).
Identifiers: ClinVar variation 736408 (VCV000736408.14), dbSNP rs760086740, ClinGen allele CA6798507.